The following is an entry in ClinVar:

ClinVar aggregate classification (germline): Uncertain significance (1 of 4 stars; one submission).

Conditions:
Schuurs-Hoeijmakers syndrome. Also called: PACS1-Related Neurodevelopmental Disorder. Identifiers: Orphanet 329224, MedGen C3554343, MONDO:0014006, OMIM 615009.

Allele frequency attached by ClinVar (database versions not stated): ExAC 0.00002; gnomAD exomes below 0.00001; gnomAD 0.00001.
gnomAD v4.1: 7 of 1,613,764 alleles (0.00043%); highest among the groups gnomAD compares: Non-Finnish European, 0.00059%; no homozygotes.

Submission:

Labcorp Genetics (formerly Invitae), Labcorp
Classification: Uncertain significance for Schuurs-Hoeijmakers syndrome. Last evaluated: 2022-08-02. Review status: criteria provided, single submitter. Criteria: Invitae Variant Classification Sherloc (09022015). Collection method: clinical testing. Allele origin: germline.
Comment: In summary, the available evidence is currently insufficient to determine the role of this variant in disease. Therefore, it has been classified as a Variant of Uncertain Significance. Algorithms developed to predict the effect of missense changes on protein structure and function (SIFT, PolyPhen-2, Align-GVGD) all suggest that this variant is likely to be tolerated. This variant has not been reported in the literature in individuals affected with PACS1-related conditions. This variant is present in population databases (rs759257607, gnomAD 0.002%). This sequence change replaces glutamic acid, which is acidic and polar, with lysine, which is basic and polar, at codon 304 of the PACS1 protein (p.Glu304Lys).

NM_018026.4(PACS1):c.910G>A (p.Glu304Lys)

Gene: PACS1 (phosphofurin acidic cluster sorting protein 1; plus strand). Cytogenetic location: 11q13.2.
Variant type: single nucleotide variant.
Coding change: c.910G>A on transcript NM_018026.4 (MANE Select); coding-DNA position 910, G replaced by A.
Protein change: p.Glu304Lys; replaces glutamic acid 304 with lysine.
Molecular consequence: missense variant.
Genome position (GRCh38, 1-based): chr11:66,216,707, G>A. VCF-style: chr11-66216707-G-A. GRCh37 (hg19) VCF-style: chr11-65984178-G-A.
Other names: short protein forms E304K.
Identifiers: ClinVar variation 1714848 (VCV001714848.6), dbSNP rs759257607, ClinGen allele CA6116383.